The following is an entry in ClinVar:

NM_000171.4(GLRA1):c.1259G>A (p.Arg420His)

Gene: GLRA1 (glycine receptor alpha 1; minus strand). Cytogenetic location: 5q33.1.
Variant type: single nucleotide variant.
Coding change: c.1259G>A on transcript NM_000171.4 (MANE Select); coding-DNA position 1259, G replaced by A.
Protein change: p.Arg420His; replaces arginine 420 with histidine.
Molecular consequence: missense variant.
Genome position (GRCh38, 1-based): chr5:151,822,764, C>T on the plus strand (G>A on the coding strand, the complement: GLRA1 is on the minus strand). VCF-style: chr5-151822764-C-T. GRCh37 (hg19) VCF-style: chr5-151202325-C-T.
Other names: c.1283G>A, p.Arg428His (NM_001146040.2); c.1010G>A, p.Arg337His (NM_001292000.2); short protein forms R428H, R420H, R337H.
Identifiers: ClinVar variation 242680 (VCV000242680.49), dbSNP rs281864919, ClinGen allele CA356537.

ClinVar aggregate classification (germline): Pathogenic/Likely pathogenic. Review status: criteria provided, multiple submitters, no conflicts (2 of 4 stars). 4 submissions from 4 submitters: Pathogenic (3); Likely pathogenic (1). Last evaluated 2026-01-26.

Conditions:
Hereditary hyperekplexia. Identifiers: Orphanet 3197, MedGen C4084968, MONDO:0021022.

Allele frequency attached by ClinVar (database versions not stated): TOPMed 0.00002; gnomAD 0.00003; gnomAD exomes 0.00001 and 0.00005; ExAC 0.00007.
gnomAD v4.1: 20 of 1,613,696 alleles (0.0012%); highest among the groups gnomAD compares: Admixed American, 0.025%; no homozygotes.

Submissions (4):

GeneDx
Classification: Pathogenic. Last evaluated: 2026-01-26. Review status: criteria provided, single submitter. Criteria: GeneDx Variant Classification Process June 2021. Collection method: clinical testing. Allele origin: germline. Affected: yes.
Comment: Observed in apparent homozygous state or with a variant on the opposite allele (in trans) in several unrelated patients with features of GLRA1-related hyperekplexia referred for genetic testing at GeneDx and in published literature (PMID: 25036534, 10514101, 20631190); Functional studies demonstrate that R420H results in impaired trafficking causing deficiency of cell surface targeting and reduced cell surface expression (PMID: 29440552, 19732286, 12169101, 20631190); In silico analysis supports that this missense variant has a deleterious effect on protein structure/function; Also known as R392H; This variant is associated with the following publications: (PMID: 24405574, 19732286, 12169101, 20631190, 10514101, 28122427, 31589614, 31440721, 11389164, 21109219, 12404628, 25356525, 12427512, 25036534, 29440552, 34926809)

Labcorp Genetics (formerly Invitae), Labcorp
Classification: Pathogenic for Hereditary hyperekplexia. Last evaluated: 2025-05-27. Review status: criteria provided, single submitter. Criteria: Invitae Variant Classification Sherloc (09022015). Collection method: clinical testing. Allele origin: germline.
Comment: This sequence change replaces arginine, which is basic and polar, with histidine, which is basic and polar, at codon 420 of the GLRA1 protein (p.Arg420His). This variant is present in population databases (rs281864919, gnomAD 0.03%). This missense change has been observed in individuals with autosomal recessive hyperekplexia (PMID: 10514101, 20631190, 25036534). It has also been observed to segregate with disease in related individuals. This variant is also known as p.R392H. ClinVar contains an entry for this variant (Variation ID: 242680). Invitae Evidence Modeling of protein sequence and biophysical properties (such as structural, functional, and spatial information, amino acid conservation, physicochemical variation, residue mobility, and thermodynamic stability) indicates that this missense variant is expected to disrupt GLRA1 protein function with a positive predictive value of 80%. Experimental studies have shown that this missense change affects GLRA1 function (PMID: 12169101, 19732286, 20631190). For these reasons, this variant has been classified as Pathogenic.

CeGaT Center for Human Genetics Tuebingen
Classification: Pathogenic. Last evaluated: 2022-02-01. Review status: criteria provided, single submitter. Criteria: CeGaT Center For Human Genetics Tuebingen Variant Classification Criteria Version 2. Collection method: clinical testing. Allele origin: germline. Affected: yes. Observed: 1 variant allele.

Greenwood Genetic Center Diagnostic Laboratories, Greenwood Genetic Center
Classification: Likely pathogenic. Last evaluated: 2021-02-15. Review status: criteria provided, single submitter. Criteria: ACMG Guidelines, 2015. Collection method: clinical testing. Allele origin: germline. Affected: yes.
Comment: PS3, PP3, PM2, PM3

Literature cited by the submitters: PubMed 10514101 (cited by Labcorp Genetics (formerly Invitae), Labcorp); PubMed 20631190 (cited by Labcorp Genetics (formerly Invitae), Labcorp); PubMed 25036534 (cited by Labcorp Genetics (formerly Invitae), Labcorp); PubMed 12169101 (cited by Labcorp Genetics (formerly Invitae), Labcorp); PubMed 19732286 (cited by Labcorp Genetics (formerly Invitae), Labcorp).